The following is an entry in ClinVar:

NM_007186.6(CEP250):c.6841C>T (p.Arg2281Trp)

Gene: CEP250 (centrosomal protein 250; plus strand). Cytogenetic location: 20q11.22.
Variant type: single nucleotide variant.
Coding change: c.6841C>T on transcript NM_007186.6 (MANE Select); coding-DNA position 6841, C replaced by T.
Protein change: p.Arg2281Trp; replaces arginine 2281 with tryptophan.
Molecular consequence: missense variant.
Genome position (GRCh38, 1-based): chr20:35,508,125, C>T. VCF-style: chr20-35508125-C-T. GRCh37 (hg19) VCF-style: chr20-34095954-C-T.
Other names: c.4945C>T, p.Arg1649Trp (NM_001318219.1); short protein forms R1649W, R2281W.
Identifiers: ClinVar variation 958294 (VCV000958294.9), dbSNP rs148942784, ClinGen allele CA9834164.

ClinVar aggregate classification (germline): Conflicting classifications of pathogenicity. Review status: criteria provided, conflicting classifications (1 of 4 stars). 3 submissions from 3 submitters: Uncertain significance (2); Likely benign (1). Last evaluated 2026-09-08.

Conditions:
CEP250-related disorder. Also called: CEP250-related condition.
Cone-rod dystrophy and hearing loss 2 (CRDHL2). Identifiers: MedGen C5193051, MONDO:0020780, OMIM 618358.

Allele frequency attached by ClinVar (database versions not stated): ExAC 0.00016; gnomAD 0.00016; gnomAD exomes 0.00017; TOPMed 0.00017; ESP Exome Variant Server 0.00031; 1000 Genomes Project 0.00080; 1000 Genomes Project 30x 0.00094.

Submissions (3):

PreventionGenetics, part of Exact Sciences
Classification: Uncertain significance for CEP250-related condition. Last evaluated: 2026-09-08. Review status: criteria provided, single submitter. Criteria: ACMG Guidelines, 2015. Collection method: clinical testing. Allele origin: germline.
Comment: The CEP250 c.6841C>T variant is predicted to result in the amino acid substitution p.Arg2281Trp. To our knowledge, this variant has not been reported in the literature. This variant is reported in 0.093% of alleles in individuals of Latino descent in gnomAD. Although we suspect that this variant may be benign, at this time, the clinical significance of this variant is uncertain due to the absence of conclusive functional and genetic evidence.

Labcorp Genetics (formerly Invitae), Labcorp
Classification: Uncertain significance. Last evaluated: 2025-10-21. Review status: criteria provided, single submitter. Criteria: Invitae Variant Classification Sherloc (09022015). Collection method: clinical testing. Allele origin: germline.
Comment: This sequence change replaces arginine, which is basic and polar, with tryptophan, which is neutral and slightly polar, at codon 2281 of the CEP250 protein (p.Arg2281Trp). This variant is present in population databases (rs148942784, gnomAD 0.09%). This variant has not been reported in the literature in individuals affected with CEP250-related conditions. ClinVar contains an entry for this variant (Variation ID: 958294). An algorithm developed to predict the effect of missense changes on protein structure and function outputs the following: PolyPhen-2: "Benign". The tryptophan amino acid residue is found in multiple mammalian species, which suggests that this missense change does not adversely affect protein function. In summary, the available evidence is currently insufficient to determine the role of this variant in disease. Therefore, it has been classified as a Variant of Uncertain Significance.

Blueprint Genetics
Classification: Likely benign. Last evaluated: 2022-11-29. Review status: criteria provided, single submitter. Criteria: ACMG Guidelines, 2015. Collection method: clinical testing. Allele origin: germline.